The following is an entry in ClinVar:

NM_001378964.1(CDON):c.2128G>C (p.Val710Leu)

Gene: CDON (cell adhesion associated, oncogene regulated; minus strand). Cytogenetic location: 11q24.2.
Variant type: single nucleotide variant.
Coding change: c.2128G>C on transcript NM_001378964.1 (MANE Select); coding-DNA position 2128, G replaced by C.
Protein change: p.Val710Leu; replaces valine 710 with leucine.
Molecular consequence: missense variant.
Genome position (GRCh38, 1-based): chr11:126,001,749, C>G on the plus strand (G>C on the coding strand, the complement: CDON is on the minus strand). VCF-style: chr11-126001749-C-G. GRCh37 (hg19) VCF-style: chr11-125871644-C-G.
Other names: c.2128G>C, p.Val710Leu (NM_001243597.3, NM_016952.6); short protein forms V710L.
Identifiers: ClinVar variation 2729290 (VCV002729290.3), dbSNP rs765777189, ClinGen allele CA6351834.

ClinVar aggregate classification (germline): Uncertain significance (1 of 4 stars; one submission).

Conditions:
Holoprosencephaly 11 (HPE11). Identifiers: Orphanet 2162, MedGen C3280215, MONDO:0013642, OMIM 614226.

gnomAD v4.1: 9 of 1,613,590 alleles (0.00056%); highest among the groups gnomAD compares: African/African-American, 0.012%; no homozygotes.

Submission:

Labcorp Genetics (formerly Invitae), Labcorp
Classification: Uncertain significance for Holoprosencephaly 11. Last evaluated: 2023-01-30. Review status: criteria provided, single submitter. Criteria: Invitae Variant Classification Sherloc (09022015). Collection method: clinical testing. Allele origin: germline.
Comment: Advanced modeling of protein sequence and biophysical properties (such as structural, functional, and spatial information, amino acid conservation, physicochemical variation, residue mobility, and thermodynamic stability) performed at Invitae indicates that this missense variant is not expected to disrupt CDON protein function. In summary, the available evidence is currently insufficient to determine the role of this variant in disease. Therefore, it has been classified as a Variant of Uncertain Significance. This variant has not been reported in the literature in individuals affected with CDON-related conditions. This variant is present in population databases (rs765777189, gnomAD 0.007%). This sequence change replaces valine, which is neutral and non-polar, with leucine, which is neutral and non-polar, at codon 710 of the CDON protein (p.Val710Leu).